The following is an entry in ClinVar:

ClinVar aggregate classification (germline): Uncertain significance. Review status: criteria provided, multiple submitters, no conflicts (2 of 4 stars). 2 submissions from 2 submitters: Uncertain significance (2). Last evaluated 2024-04-10.

Allele frequency attached by ClinVar (database versions not stated): ExAC 0.00001; gnomAD exomes 0.00001 and 0.00002.

Submissions (2):

Labcorp Genetics (formerly Invitae), Labcorp
Classification: Uncertain significance. Last evaluated: 2024-04-10. Review status: criteria provided, single submitter. Criteria: Invitae Variant Classification Sherloc (09022015). Collection method: clinical testing. Allele origin: germline.
Comment: This sequence change replaces tyrosine, which is neutral and polar, with histidine, which is basic and polar, at codon 227 of the GRXCR2 protein (p.Tyr227His). This variant is present in population databases (rs774832434, gnomAD 0.009%). This variant has not been reported in the literature in individuals affected with GRXCR2-related conditions. ClinVar contains an entry for this variant (Variation ID: 1425989). An algorithm developed to predict the effect of missense changes on protein structure and function (PolyPhen-2) suggests that this variant is likely to be disruptive. In summary, the available evidence is currently insufficient to determine the role of this variant in disease. Therefore, it has been classified as a Variant of Uncertain Significance.

Blueprint Genetics
Classification: Uncertain significance. Last evaluated: 2023-09-21. Review status: criteria provided, single submitter. Criteria: ACMG Guidelines, 2015. Collection method: clinical testing. Allele origin: germline.

NM_001080516.2(GRXCR2):c.679T>C (p.Tyr227His)

Gene: GRXCR2 (glutaredoxin and cysteine rich domain containing 2; minus strand). Cytogenetic location: 5q32.
Variant type: single nucleotide variant.
Coding change: c.679T>C on transcript NM_001080516.2 (MANE Select); coding-DNA position 679, T replaced by C.
Protein change: p.Tyr227His; replaces tyrosine 227 with histidine.
Molecular consequence: missense variant.
Genome position (GRCh38, 1-based): chr5:145,859,801, A>G on the plus strand (T>C on the coding strand, the complement: GRXCR2 is on the minus strand). VCF-style: chr5-145859801-A-G. GRCh37 (hg19) VCF-style: chr5-145239364-A-G.
Other names: short protein forms Y227H.
Identifiers: ClinVar variation 1425989 (VCV001425989.7), dbSNP rs774832434, ClinGen allele CA3487929.